The following is an entry in ClinVar:

NM_000307.5(POU3F4):c.608A>T (p.Gln203Leu)

Gene: POU3F4 (POU class 3 homeobox 4; plus strand). Cytogenetic location: Xq21.1.
Variant type: single nucleotide variant.
Coding change: c.608A>T on transcript NM_000307.5 (MANE Select); coding-DNA position 608, A replaced by T.
Protein change: p.Gln203Leu; replaces glutamine 203 with leucine.
Molecular consequence: missense variant.
Genome position (GRCh38, 1-based): chrX:83,508,932, A>T. VCF-style: chrX-83508932-A-T. GRCh37 (hg19) VCF-style: chrX-82763940-A-T.
Other names: short protein forms Q203L.
Identifiers: ClinVar variation 4086402 (VCV004086402.1).

ClinVar aggregate classification (germline): Uncertain significance (1 of 4 stars; one submission).

Submission:

GeneDx
Classification: Uncertain significance. Last evaluated: 2025-03-20. Review status: criteria provided, single submitter. Criteria: GeneDx Variant Classification Process June 2021. Collection method: clinical testing. Allele origin: germline. Affected: yes.
Comment: Not observed at significant frequency in large population cohorts (gnomAD); In silico analysis supports that this missense variant has a deleterious effect on protein structure/function; Has not been previously published as pathogenic or benign to our knowledge